The following is an entry in ClinVar:

NM_001271938.2(MEGF8):c.682C>T (p.Arg228Cys)

Gene: MEGF8 (multiple EGF like domains 8; plus strand). Cytogenetic location: 19q13.2.
Variant type: single nucleotide variant.
Coding change: c.682C>T on transcript NM_001271938.2 (MANE Select); coding-DNA position 682, C replaced by T.
Protein change: p.Arg228Cys; replaces arginine 228 with cysteine.
Molecular consequence: missense variant.
Genome position (GRCh38, 1-based): chr19:42,335,158, C>T. VCF-style: chr19-42335158-C-T. GRCh37 (hg19) VCF-style: chr19-42839310-C-T.
Other names: c.682C>T, p.Arg228Cys (NM_001410.3); short protein forms R228C.
Identifiers: ClinVar variation 2886909 (VCV002886909.1), dbSNP rs565934429, ClinGen allele CA9474237.

ClinVar aggregate classification (germline): Uncertain significance (1 of 4 stars; one submission).

Conditions:
MEGF8-related Carpenter syndrome. Also called: Carpenter syndrome 2. Identifiers: Orphanet 65759, MedGen C3554247, MONDO:0013998, OMIM 614976.

Allele frequency attached by ClinVar (database versions not stated): gnomAD 0.00001; gnomAD exomes 0.00001; TOPMed 0.00001; ExAC 0.00002.
gnomAD v4.1: 22 of 1,613,760 alleles (0.0014%); highest among the groups gnomAD compares: Admixed American, 0.0017%; no homozygotes.

Submission:

Labcorp Genetics (formerly Invitae), Labcorp
Classification: Uncertain significance for MEGF8-related Carpenter syndrome. Last evaluated: 2023-10-13. Review status: criteria provided, single submitter. Criteria: Invitae Variant Classification Sherloc (09022015). Collection method: clinical testing. Allele origin: germline.
Comment: This sequence change replaces arginine, which is basic and polar, with cysteine, which is neutral and slightly polar, at codon 228 of the MEGF8 protein (p.Arg228Cys). This variant is present in population databases (rs565934429, gnomAD 0.003%). This variant has not been reported in the literature in individuals affected with MEGF8-related conditions. An algorithm developed to predict the effect of missense changes on protein structure and function (PolyPhen-2) suggests that this variant is likely to be disruptive. In summary, the available evidence is currently insufficient to determine the role of this variant in disease. Therefore, it has been classified as a Variant of Uncertain Significance.